The following is an entry in ClinVar:

ClinVar aggregate classification (germline): Likely benign (1 of 4 stars; one submission).

gnomAD v4.1: 18 of 1,608,892 alleles (0.0011%); highest among the groups gnomAD compares: East Asian, 0.0045%; no homozygotes.

Submission:

Mayo Clinic Laboratories, Mayo Clinic
Classification: Likely benign. Last evaluated: 2025-06-24. Review status: criteria provided, single submitter. Criteria: ACMG Guidelines, 2015. Collection method: clinical testing. Allele origin: germline. Observed: 1 variant allele.
Comment: BP4, BP7

NM_018896.5(CACNA1G):c.1293C>T (p.Ser431=)

Gene: CACNA1G (calcium voltage-gated channel subunit alpha1 G; plus strand). Cytogenetic location: 17q21.33.
Variant type: single nucleotide variant.
Coding change: c.1293C>T on transcript NM_018896.5 (MANE Select); coding-DNA position 1293, C replaced by T.
Protein change: p.Ser431=; no amino-acid change (serine 431 retained).
Molecular consequence: synonymous variant. On other transcripts: non-coding transcript variant (5).
Genome position (GRCh38, 1-based): chr17:50,575,695, C>T. VCF-style: chr17-50575695-C-T. GRCh37 (hg19) VCF-style: chr17-48653056-C-T.
Other names: p.Ser431=; c.1293C>T, p.Ser431= (NM_001256359.2, NM_001256360.2, NM_001256361.2 and 24 more transcripts).
Identifiers: ClinVar variation 4684238 (VCV004684238.1).
Genomic context (GRCh38, chr17:50,575,695, plus strand): 5'-GCAGCGTGTGCGGTTCCTGTCCAACGCCAGCACCCTGGCTAGCTTCTCTGAGCCCGGCAG[C>T]TGCTATGAGGAGCTGCTCAAGTACCTGGTGTACATCCTTCGTAAGGCAGCCCGCAGGCTG-3'
Protein context (NP_061496.2, residues 421-441): STLASFSEPG[Ser431=]CYEELLKYLV